The following is an entry in ClinVar:

ClinVar aggregate classification (germline): Benign. Review status: criteria provided, multiple submitters, no conflicts (2 of 4 stars). 8 submissions from 8 submitters: Benign (8). Last evaluated 2026-02-04.

Conditions:
Xanthinuria type II. Also called: Xanthine dehydrogenase and aldehyde oxidase combined deficiency of; XDH and AOX dual deficiency. Identifiers: Orphanet 3467, Orphanet 93602, MedGen C1863688, MONDO:0011346, OMIM 603592.
Hereditary xanthinuria type 1 (XAN1). Identifiers: Orphanet 3467, Orphanet 93601, MedGen C0268118, MONDO:0010209, OMIM 278300.

Allele frequency attached by ClinVar (database versions not stated): ESP Exome Variant Server 0.23351; TOPMed 0.24207; gnomAD 0.24290 and 0.24910; 1000 Genomes Project 30x 0.26968; 1000 Genomes Project 0.27017; ExAC 0.30369; gnomAD exomes 0.30514 and 0.30851.

Submissions (8):

Labcorp Genetics (formerly Invitae), Labcorp
Classification: Benign for Xanthinuria type II. Last evaluated: 2026-02-04. Review status: criteria provided, single submitter. Criteria: Invitae Variant Classification Sherloc (09022015). Collection method: clinical testing. Allele origin: germline.

Blueprint Genetics
Classification: Benign. Last evaluated: 2024-11-26. Review status: criteria provided, single submitter. Criteria: ACMG Guidelines, 2015. Collection method: clinical testing. Allele origin: germline.

Mayo Clinic Laboratories, Mayo Clinic
Classification: Benign. Last evaluated: 2022-03-09. Review status: criteria provided, single submitter. Criteria: ACMG Guidelines, 2015. Collection method: clinical testing. Allele origin: germline. Observed: 99 variant alleles.

Genome-Nilou Lab
Classification: Benign for Hereditary xanthinuria type 1. Last evaluated: 2021-12-05. Review status: criteria provided, single submitter. Criteria: ACMG Guidelines, 2015. Collection method: clinical testing. Allele origin: germline. Affected: no.

GeneDx
Classification: Benign. Last evaluated: 2018-11-13. Review status: criteria provided, single submitter. Criteria: GeneDx Variant Classification Process June 2021. Collection method: clinical testing. Allele origin: germline. Affected: yes.

Illumina Laboratory Services, Illumina
Classification: Benign for Hereditary xanthinuria type 1. Last evaluated: 2018-01-12. Review status: criteria provided, single submitter. Criteria: ICSL Variant Classification Criteria 13 December 2019. Collection method: clinical testing. Allele origin: germline.
Comment: This variant was observed in the ICSL laboratory as part of a predisposition screen in an ostensibly healthy population. It had not been previously curated by ICSL or reported in the Human Gene Mutation Database (HGMD: prior to June 1st, 2018), and was therefore a candidate for classification through an automated scoring system. Utilizing variant allele frequency, disease prevalence and penetrance estimates, and inheritance mode, an automated score was calculated to assess if this variant is too frequent to cause the disease. Based on the score and internal cut-off values, a variant classified as benign is not then subjected to further curation. The score for this variant resulted in a classification of benign for this disease.

Breakthrough Genomics
Classification: Benign. Review status: criteria provided, single submitter. Criteria: ACMG Guidelines, 2015. Collection method: not provided. Allele origin: germline. Inheritance: Autosomal recessive inheritance. Affected: yes.

PreventionGenetics, part of Exact Sciences
Classification: Benign. Review status: criteria provided, single submitter. Criteria: ACMG Guidelines, 2015. Collection method: clinical testing. Allele origin: germline.

NM_000379.4(XDH):c.2211C>T (p.Ile737=)

Gene: XDH (xanthine dehydrogenase; minus strand). Cytogenetic location: 2p23.1.
Variant type: single nucleotide variant.
Coding change: c.2211C>T on transcript NM_000379.4 (MANE Select); coding-DNA position 2211, C replaced by T.
Protein change: p.Ile737=; no amino-acid change (isoleucine 737 retained).
Molecular consequence: synonymous variant.
Genome position (GRCh38, 1-based): chr2:31,366,981, G>A on the plus strand (C>T on the coding strand, the complement: XDH is on the minus strand). VCF-style: chr2-31366981-G-A. GRCh37 (hg19) VCF-style: chr2-31589847-G-A.
Other names: p.Ile737=.
Identifiers: ClinVar variation 255967 (VCV000255967.20), dbSNP rs2295475, ClinGen allele CA1598899.
Genomic context (GRCh38, chr2:31,366,981, plus strand): 5'-CTCGCCTTTTGGAACAGCAATGGTGCAGTGAGTCTCCAGGTAGAAGTGCTCTTGGCCACC[G>A]ATGTATATCTCCCCTGGGGAAGCAGTGAGATCCCTCACAGTGAGCCCAATGCTGCAGAAG-3'
Protein context (NP_000370.2, residues 727-747): ADNVVSGEIY[Ile737=]GGQEHFYLET